The following is an entry in ClinVar:

NM_000548.5(TSC2):c.3448dup (p.Leu1150fs)

Gene: TSC2 (TSC complex subunit 2; plus strand). Cytogenetic location: 16p13.3.
Variant type: Duplication.
Coding change: c.3448dup on transcript NM_000548.5 (MANE Select); coding-DNA position 3448, one base duplicated (C; older notation c.3448dupC).
Protein change: p.Leu1150fs; shifts the reading frame from leucine 1150.
Molecular consequence: frameshift variant.
Genome position (GRCh38, 1-based): chr16:2,080,215, C duplicated; the last of 2 consecutive C bases (chr16:2,080,214-2,080,215); duplicating either gives the same sequence. VCF-style (leftmost placement, unchanged base first): chr16-2080213-T-TC. GRCh37 (hg19) VCF-style: chr16-2130214-T-TC.
Other names: c.3316dup, p.Leu1106fs (NM_001077183.3, NM_001370404.1); c.3448dup, p.Leu1150fs (NM_001114382.3); c.3208dup, p.Leu1070fs (NM_001318827.2); c.3172dup, p.Leu1058fs (NM_001318829.2); c.2716dup, p.Leu906fs (NM_001318831.2); c.3349dup, p.Leu1117fs (NM_001318832.2); c.3319dup, p.Leu1107fs (NM_001363528.2, NM_001370405.1, NM_021055.3); c.3448dupC (NM_000548.3); short protein forms L1070fs, L1058fs, L1117fs, L1107fs, L906fs, L1106fs, L1150fs.
Identifiers: ClinVar variation 523971 (VCV000523971.2), dbSNP rs1555511352, ClinGen allele CA658798467.
Genomic context (GRCh38, chr16:2,080,213, plus strand): 5'-CCTCTTCTTCAGGGGGCCATGGTCTTCGAGTTGGCGCCCTGGACGTGCCGGCCTCCCAGT[T>TC]CCTGGGCAGTGCCACTTCTCCAGGACCACGGACTGCACCAGCCGCGAAACCTGAGAAGGC-3'

ClinVar aggregate classification (germline): Pathogenic (1 of 4 stars; one submission).

Submission:

GeneDx
Classification: Pathogenic. Last evaluated: 2018-03-08. Review status: criteria provided, single submitter. Criteria: GeneDx Variant Classification (06012015). Collection method: clinical testing. Allele origin: germline. Affected: yes.
Comment: The c.3448dupC pathogenic variant in the TSC2 gene causes a frameshift starting with codon Leucine 1150, changes this amino acid to a Proline residue and creates a premature Stop codon at position 18 of the new reading frame, denoted p.Leu1150ProfsX18. This pathogenic variant is predicted to cause loss of normal protein function either through protein truncation or nonsense-mediated mRNA decay.